The following is an entry in ClinVar:

ClinVar aggregate classification (germline): Uncertain significance (1 of 4 stars; one submission).

Conditions:
Joubert syndrome 21 (JBTS21). Identifiers: MedGen C3810212, MONDO:0014288, OMIM 615636.

gnomAD v4.1: 1 of 1,608,152 alleles (0.000062%); highest among the groups gnomAD compares: East Asian, 0.0022%; no homozygotes.

Submission:

3billion
Classification: Uncertain significance for Joubert syndrome 21. Last evaluated: 2025-09-08. Review status: criteria provided, single submitter. Criteria: ACMG Guidelines, 2015. Collection method: clinical testing. Allele origin: germline. Affected: yes.
Comment: The variant is observed at an extremely low frequency in the gnomAD v4.1.0 dataset (total allele frequency: <0.001%). Predicted Consequence/Location: 5' UTR variant Therefore, this variant is classified as VUS according to the recommendation of ACMG/AMP guideline.

NM_001382391.1(CSPP1):c.-13G>A

Gene: CSPP1 (centrosome and spindle pole associated protein 1; plus strand). Cytogenetic location: 8q13.1.
Variant type: single nucleotide variant.
Coding change: c.-13G>A on transcript NM_001382391.1 (MANE Select); 13 bases upstream of the start codon, G replaced by A.
Molecular consequence: 5 prime UTR variant. On other transcripts: intron variant (6).
Genome position (GRCh38, 1-based): chr8:67,064,536, G>A. VCF-style: chr8-67064536-G-A. GRCh37 (hg19) VCF-style: chr8-67976771-G-A.
Other names: c.98+40G>A (NM_001438331.1, NM_001438330.1, NM_001364870.1 and 3 more transcripts); c.-13G>A (NM_001363131.2, NM_001363132.2, NM_001363133.2).
Identifiers: ClinVar variation 4855676 (VCV004855676.1).
Genomic context (GRCh38, chr8:67,064,536, plus strand): 5'-GACGCGAGCCCGCTCCCCTGAGTAAGAGTCAGCCAGCCGCGGATGGGGAGCGTGAGTGGC[G>A]AGGTGTGGCCTGGGGTGGTGTAGGTTGAGGGTGGAGGGTCCTGGGGCTGCATTCGCTGCC-3'